The following is an entry in ClinVar:

ClinVar aggregate classification (germline): Uncertain significance (1 of 4 stars; one submission).

Conditions:
Facioscapulohumeral muscular dystrophy 2 (FSHD2). Also called: MUSCULAR DYSTROPHY, FACIOSCAPULOHUMERAL, TYPE 1B; FACIOSCAPULOHUMERAL MUSCULAR DYSTROPHY 2, DIGENIC; FSHD2, DIGENIC. Identifiers: Orphanet 269, MedGen C1834671, MONDO:0008031, OMIM 158901.

Submission:

Labcorp Genetics (formerly Invitae), Labcorp
Classification: Uncertain significance for Facioscapulohumeral muscular dystrophy 2. Last evaluated: 2025-03-03. Review status: criteria provided, single submitter. Criteria: Invitae Variant Classification Sherloc (09022015). Collection method: clinical testing. Allele origin: germline.
Comment: This sequence change replaces glycine, which is neutral and non-polar, with arginine, which is basic and polar, at codon 217 of the SMCHD1 protein (p.Gly217Arg). This variant is not present in population databases (gnomAD no frequency). This variant has not been reported in the literature in individuals affected with SMCHD1-related conditions. ClinVar contains an entry for this variant (Variation ID: 2103627). Invitae Evidence Modeling of protein sequence and biophysical properties (such as structural, functional, and spatial information, amino acid conservation, physicochemical variation, residue mobility, and thermodynamic stability) indicates that this missense variant is not expected to disrupt SMCHD1 protein function with a negative predictive value of 80%. In summary, the available evidence is currently insufficient to determine the role of this variant in disease. Therefore, it has been classified as a Variant of Uncertain Significance.

NM_015295.3(SMCHD1):c.649G>A (p.Gly217Arg)

Gene: SMCHD1 (structural maintenance of chromosomes flexible hinge domain containing 1; plus strand). Cytogenetic location: 18p11.32.
Variant type: single nucleotide variant.
Coding change: c.649G>A on transcript NM_015295.3 (MANE Select); coding-DNA position 649, G replaced by A.
Protein change: p.Gly217Arg; replaces glycine 217 with arginine.
Molecular consequence: missense variant.
Genome position (GRCh38, 1-based): chr18:2,688,404, G>A. VCF-style: chr18-2688404-G-A. GRCh37 (hg19) VCF-style: chr18-2688402-G-A.
Other names: short protein forms G217R.
Identifiers: ClinVar variation 2103627 (VCV002103627.4), dbSNP rs2074099554, ClinGen allele CA401692897.